The following is an entry in ClinVar:

ClinVar aggregate classification (germline): Conflicting classifications of pathogenicity. Review status: criteria provided, conflicting classifications (1 of 4 stars). 5 submissions from 5 submitters: Uncertain significance (2); Benign (1); Likely benign (1). 1 of the submissions does not count toward it. Last evaluated 2026-01-07.

Conditions:
SLC10A2-related disorder. Also called: SLC10A2-related condition.

Allele frequency attached by ClinVar (database versions not stated): gnomAD exomes 0.00033; ExAC 0.00035; gnomAD 0.00094; TOPMed 0.00129; ESP Exome Variant Server 0.00131; 1000 Genomes Project 30x 0.00156; 1000 Genomes Project 0.00180.
gnomAD v4.1: 377 of 1,613,632 alleles (0.023%); highest among the groups gnomAD compares: African/African-American, 0.32%; 2 homozygotes.

Submissions (5):

Labcorp Genetics (formerly Invitae), Labcorp
Classification: Benign. Last evaluated: 2026-01-07. Review status: criteria provided, single submitter. Criteria: Invitae Variant Classification Sherloc (09022015). Collection method: clinical testing. Allele origin: germline.

Blueprint Genetics
Classification: Likely benign. Last evaluated: 2024-06-17. Review status: criteria provided, single submitter. Criteria: ACMG Guidelines, 2015. Collection method: clinical testing. Allele origin: germline.

Eurofins Ntd Llc (ga)
Classification: Uncertain significance. Last evaluated: 2018-03-01. Review status: criteria provided, single submitter. Criteria: EGL ClinVar v180209 classification definitions. Collection method: clinical testing. Allele origin: germline. Observed: 5 variant alleles, 5 heterozygotes.

Breakthrough Genomics
Classification: Uncertain significance. Review status: criteria provided, single submitter. Criteria: ACMG Guidelines, 2015. Collection method: not provided. Allele origin: germline. Inheritance: Autosomal recessive inheritance. Affected: yes.

PreventionGenetics, part of Exact Sciences
Classification: Likely benign for SLC10A2-related condition. Last evaluated: 2019-08-22. Review status: no assertion criteria provided. Collection method: clinical testing. Allele origin: germline. Not counted in ClinVar's aggregate classification.
Comment: This variant is classified as likely benign based on ACMG/AMP sequence variant interpretation guidelines (Richards et al. 2015 PMID: 25741868, with internal and published modifications).

NM_000452.3(SLC10A2):c.1038C>T (p.Asp346=)

Gene: SLC10A2 (solute carrier family 10 member 2; minus strand). Cytogenetic location: 13q33.1.
Variant type: single nucleotide variant.
Coding change: c.1038C>T on transcript NM_000452.3 (MANE Select); coding-DNA position 1038, C replaced by T.
Protein change: p.Asp346=; no amino-acid change (aspartic acid 346 retained).
Molecular consequence: synonymous variant.
Genome position (GRCh38, 1-based): chr13:103,046,142, G>A on the plus strand (C>T on the coding strand, the complement: SLC10A2 is on the minus strand). VCF-style: chr13-103046142-G-A. GRCh37 (hg19) VCF-style: chr13-103698492-G-A.
Other names: c.1038C>T (NM_000452.2).
Identifiers: ClinVar variation 593415 (VCV000593415.13), dbSNP rs147498129, ClinGen allele CA7041949.